The following is an entry in ClinVar:

ClinVar aggregate classification (germline): Uncertain significance (1 of 4 stars; one submission).

Conditions:
CREBBP-related disorder. Also called: CREBBP-related condition; CREBBP-related disorders.

Submission:

PreventionGenetics, part of Exact Sciences
Classification: Uncertain significance for CREBBP-related condition. Last evaluated: 2026-06-10. Review status: criteria provided, single submitter. Criteria: ACMG Guidelines, 2015. Collection method: clinical testing. Allele origin: germline.
Comment: The CREBBP c.3284T>C variant is predicted to result in the amino acid substitution p.Met1095Thr. To our knowledge, this variant has not been reported in the literature or in a large population database (gnomAD), indicating this variant is rare. At this time, the clinical significance of this variant is uncertain due to the absence of conclusive functional and genetic evidence.

NM_004380.3(CREBBP):c.3284T>C (p.Met1095Thr)

Gene: CREBBP (CREB binding lysine acetyltransferase; minus strand). Cytogenetic location: 16p13.3.
Variant type: single nucleotide variant.
Coding change: c.3284T>C on transcript NM_004380.3 (MANE Select); coding-DNA position 3284, T replaced by C.
Protein change: p.Met1095Thr; replaces methionine 1095 with threonine.
Molecular consequence: missense variant.
Genome position (GRCh38, 1-based): chr16:3,758,939, A>G on the plus strand (T>C on the coding strand, the complement: CREBBP is on the minus strand). VCF-style: chr16-3758939-A-G. GRCh37 (hg19) VCF-style: chr16-3808940-A-G.
Other names: c.3170T>C, p.Met1057Thr (NM_001079846.1); short protein forms M1095T, M1057T.
Identifiers: ClinVar variation 4994127 (VCV004994127.1).